The following is an entry in ClinVar:

NM_000059.4(BRCA2):c.5617G>A (p.Val1873Ile)

Gene: BRCA2 (BRCA2 DNA repair associated; plus strand). Cytogenetic location: 13q13.1.
Variant type: single nucleotide variant.
Coding change: c.5617G>A on transcript NM_000059.4 (MANE Select); coding-DNA position 5617, G replaced by A.
Protein change: p.Val1873Ile; replaces valine 1873 with isoleucine.
Molecular consequence: missense variant.
Genome position (GRCh38, 1-based): chr13:32,339,972, G>A. VCF-style: chr13-32339972-G-A. GRCh37 (hg19) VCF-style: chr13-32914109-G-A.
Other names: c.5617G>A, p.Val1873Ile (NM_001406719.1, NM_001406720.1); short protein forms V1873I.
Identifiers: ClinVar variation 1748657 (VCV001748657.9), dbSNP rs2072533593, ClinGen allele CA387786099.

ClinVar aggregate classification (germline): Conflicting classifications of pathogenicity. Review status: criteria provided, conflicting classifications (1 of 4 stars). 4 submissions from 4 submitters: Uncertain significance (3); Likely benign (1). Last evaluated 2025-01-21.

Conditions:
Hereditary cancer-predisposing syndrome. Also called: Hereditary Cancer Syndrome; Hereditary neoplastic syndrome; Neoplastic Syndromes, Hereditary; Tumor predisposition. Identifiers: Orphanet 140162, MedGen C0027672, MeSH D009386, MONDO:0015356.
Hereditary breast ovarian cancer syndrome. Also called: Hereditary breast and ovarian cancer; BRCA1- and BRCA2-Associated Hereditary Breast and Ovarian Cancer; Hereditary breast and ovarian cancer syndrome (HBOC); Hereditary breast and ovarian cancer syndrome; Breast and ovarian cancer; Hereditary breast and/or ovarian cancer syndrome. Identifiers: Orphanet 145, MedGen C0677776, MeSH D061325, MONDO:0003582. Disease mechanism: loss of function.

Submissions (4):

Women's Health and Genetics/Laboratory Corporation of America, LabCorp
Classification: Uncertain significance. Last evaluated: 2025-01-21. Review status: criteria provided, single submitter. Criteria: LabCorp Variant Classification Summary - May 2015. Collection method: clinical testing. Allele origin: germline.
Comment: Variant summary: BRCA2 c.5617G>A (p.Val1873Ile) results in a conservative amino acid change in the encoded protein sequence. Five of five in-silico tools predict a benign effect of the variant on protein function. The variant was absent in 247614 control chromosomes. The available data on variant occurrences in the general population are insufficient to allow any conclusion about variant significance. To our knowledge, no occurrence of c.5617G>A in individuals affected with Hereditary Breast And Ovarian Cancer Syndrome and no experimental evidence demonstrating its impact on protein function have been reported. ClinVar contains an entry for this variant (Variation ID: 1748657). Based on the evidence outlined above, the variant was classified as uncertain significance.

Labcorp Genetics (formerly Invitae), Labcorp
Classification: Uncertain significance for Hereditary breast ovarian cancer syndrome. Last evaluated: 2023-12-05. Review status: criteria provided, single submitter. Criteria: Invitae Variant Classification Sherloc (09022015). Collection method: clinical testing. Allele origin: germline.
Comment: This sequence change replaces valine, which is neutral and non-polar, with isoleucine, which is neutral and non-polar, at codon 1873 of the BRCA2 protein (p.Val1873Ile). This variant is not present in population databases (gnomAD no frequency). This variant has not been reported in the literature in individuals affected with BRCA2-related conditions. ClinVar contains an entry for this variant (Variation ID: 1748657). Advanced modeling of protein sequence and biophysical properties (such as structural, functional, and spatial information, amino acid conservation, physicochemical variation, residue mobility, and thermodynamic stability) performed at Invitae indicates that this missense variant is not expected to disrupt BRCA2 protein function with a negative predictive value of 95%. In summary, the available evidence is currently insufficient to determine the role of this variant in disease. Therefore, it has been classified as a Variant of Uncertain Significance.

University of Washington Department of Laboratory Medicine, University of Washington
Classification: Likely benign for Hereditary cancer-predisposing syndrome. Last evaluated: 2023-03-23. Review status: criteria provided, single submitter. Criteria: Dines et al. (Genet Med. 2020). Collection method: curation. Allele origin: germline.
Comment: Missense variant in a coldspot region where missense variants are very unlikely to be pathogenic (PMID:31911673).

BRCA2 exon 11 coldspot. Reclassification based on statistical prior probability.

Ambry Genetics
Classification: Uncertain significance for Hereditary cancer-predisposing syndrome. Last evaluated: 2022-08-30. Review status: criteria provided, single submitter. Criteria: Ambry Variant Classification Scheme 2023. Collection method: clinical testing. Allele origin: germline.
Comment: The p.V1873I variant (also known as c.5617G>A), located in coding exon 10 of the BRCA2 gene, results from a G to A substitution at nucleotide position 5617. The valine at codon 1873 is replaced by isoleucine, an amino acid with highly similar properties. This amino acid position is conserved. In addition, this alteration is predicted to be tolerated by in silico analysis. Since supporting evidence is limited at this time, the clinical significance of this alteration remains unclear.